The following is an entry in ClinVar:

NM_000901.5(NR3C2):c.2429C>T (p.Ser810Leu)

Gene: NR3C2 (nuclear receptor subfamily 3 group C member 2; minus strand). Cytogenetic location: 4q31.23.
Variant type: single nucleotide variant.
Coding change: c.2429C>T on transcript NM_000901.5 (MANE Select); coding-DNA position 2429, C replaced by T.
Protein change: p.Ser810Leu; replaces serine 810 with leucine.
Molecular consequence: missense variant.
Genome position (GRCh38, 1-based): chr4:148,152,550, G>A on the plus strand (C>T on the coding strand, the complement: NR3C2 is on the minus strand). VCF-style: chr4-148152550-G-A. GRCh37 (hg19) VCF-style: chr4-149073701-G-A.
Other names: c.2429C>T (NM_000901.4); c.2078C>T, p.Ser693Leu (NM_001166104.2, NM_001354819.1); short protein forms S810L, S693L.
Identifiers: ClinVar variation 8557 (VCV000008557.3), dbSNP rs41511344, ClinGen allele CA119732.

ClinVar aggregate classification (germline): Uncertain significance. Review status: criteria provided, single submitter (1 of 4 stars). 3 submissions from 3 submitters: Uncertain significance (1). 2 of the submissions do not count toward it. Last evaluated 2024-06-04.

Conditions:
NR3C2-related disorder. Also called: NR3C2-related condition; NR3C2-related disorders.
Pseudohyperaldosteronism type 2. Identifiers: Orphanet 88660, MedGen C1854631, MONDO:0011517, OMIM 605115.
Autosomal dominant pseudohypoaldosteronism type 1. Also called: Pseudohypoaldosteronism, Type I, Autosomal Dominant; PHA I, AUTOSOMAL DOMINANT; Pseudohypoaldosteronism, Type I, Dominant. Identifiers: Orphanet 171871, Orphanet 756, MedGen C1449842, MONDO:0008329, OMIM 177735.
Hypertension, early-onset, autosomal dominant, with exacerbation in pregnancy. Identifiers: MedGen C4016708.

Submissions (3):

Fulgent Genetics
Classification: Uncertain significance for Autosomal dominant pseudohypoaldosteronism type 1; Pseudohyperaldosteronism type 2. Last evaluated: 2024-06-04. Review status: criteria provided, single submitter. Criteria: ACMG Guidelines, 2015. Collection method: clinical testing. Allele origin: germline.

PreventionGenetics, part of Exact Sciences
Classification: Pathogenic for NR3C2-related condition. Last evaluated: 2024-08-29. Review status: no assertion criteria provided. Collection method: clinical testing. Allele origin: germline. Not counted in ClinVar's aggregate classification.
Comment: The NR3C2 c.2429C>T variant is predicted to result in the amino acid substitution p.Ser810Leu. This variant was reported to segregate in a large family of individuals with early-onset hypertension; and in several female individuals, the condition was further exacerbated during pregnancy (Geller et al. 2000. PubMed ID: 10884226). Functional studies indicate this variant results in constitutive mineralocorticoid receptor activity by increasing the steroid-receptor complex (Geller et al. 2000. PubMed ID: 10884226; Pinon et al. 2004. PubMed ID: 15134816). This variant has not been reported in a large population database, indicating this variant is rare. This variant is interpreted as pathogenic.

OMIM
Classification: Pathogenic for HYPERTENSION, EARLY-ONSET, AUTOSOMAL DOMINANT, WITH EXACERBATION IN PREGNANCY. Last evaluated: 2000-07-07. Review status: no assertion criteria provided. Collection method: literature only. Allele origin: germline. Not counted in ClinVar's aggregate classification.

Literature cited by the submitters: PubMed 10884226 (cited by OMIM).